The following is an entry in ClinVar:

NM_001376.5(DYNC1H1):c.2538+303A>G

Gene: DYNC1H1 (dynein cytoplasmic 1 heavy chain 1; plus strand). Cytogenetic location: 14q32.31.
Variant type: single nucleotide variant.
Coding change: c.2538+303A>G on transcript NM_001376.5 (MANE Select); 303 bases into the intron after coding-DNA position 2538, A replaced by G.
Molecular consequence: intron variant.
Genome position (GRCh38, 1-based): chr14:101,987,066, A>G. VCF-style: chr14-101987066-A-G. GRCh37 (hg19) VCF-style: chr14-102453403-A-G.
Identifiers: ClinVar variation 674204 (VCV000674204.1), dbSNP rs17512075, ClinGen allele CA266981379.
Genomic context (GRCh38, chr14:101,987,066, plus strand): 5'-GTCCAACAGAGAGCAGAATGCAGTTTTATTGCTGCTACAGCTGAAAGCAGAGCAGGCTCT[A>G]GGTCTCAGCCACGAAGGCCTTACCCAGAGCCTGCGGCTGCCAGCGGACCAGATGCATACG-3'

ClinVar aggregate classification (germline): Benign (1 of 4 stars; one submission).

Allele frequency attached by ClinVar (database versions not stated): gnomAD 0.01481 and 0.01589; TOPMed 0.01662; 1000 Genomes Project 0.01757; 1000 Genomes Project 30x 0.01874.
gnomAD v4.1: 2,241 of 152,360 alleles (1.5%); highest among the groups gnomAD compares: African/African-American, 5.1%; 65 homozygotes.

Submission:

GeneDx
Classification: Benign. Last evaluated: 2018-06-19. Review status: criteria provided, single submitter. Criteria: GeneDx Variant Classification (06012015). Collection method: clinical testing. Allele origin: germline. Affected: yes.
Comment: This variant is considered likely benign or benign based on one or more of the following criteria: it is a conservative change, it occurs at a poorly conserved position in the protein, it is predicted to be benign by multiple in silico algorithms, and/or has population frequency not consistent with disease.